The following is an entry in ClinVar:

NM_001144967.3(NEDD4L):c.2621G>T (p.Cys874Phe)

Gene: NEDD4L (NEDD4 like E3 ubiquitin protein ligase; plus strand). Cytogenetic location: 18q21.31.
Variant type: single nucleotide variant.
Coding change: c.2621G>T on transcript NM_001144967.3 (MANE Select); coding-DNA position 2621, G replaced by T.
Protein change: p.Cys874Phe; replaces cysteine 874 with phenylalanine.
Molecular consequence: missense variant.
Genome position (GRCh38, 1-based): chr18:58,389,158, G>T. VCF-style: chr18-58389158-G-T. GRCh37 (hg19) VCF-style: chr18-56056390-G-T.
Other names: c.2258G>T, p.Cys753Phe (NM_001144964.1, NM_001144965.2, NM_001144966.3); c.2597G>T, p.Cys866Phe (NM_001144968.2); c.2537G>T, p.Cys846Phe (NM_001144969.2); c.2198G>T, p.Cys733Phe (NM_001144970.3, NM_001144971.2); c.2429G>T, p.Cys810Phe (NM_001243960.2); c.2561G>T, p.Cys854Phe (NM_015277.6); short protein forms C733F, C810F, C846F, C866F, C753F, C874F, C854F.
Identifiers: ClinVar variation 950005 (VCV000950005.9), dbSNP rs2049446731, ClinGen allele CA402558877.

ClinVar aggregate classification (germline): Uncertain significance (1 of 4 stars; one submission).

Submission:

Labcorp Genetics (formerly Invitae), Labcorp
Classification: Uncertain significance. Last evaluated: 2019-04-19. Review status: criteria provided, single submitter. Criteria: Invitae Variant Classification Sherloc (09022015). Collection method: clinical testing. Allele origin: germline.
Comment: This sequence change replaces cysteine with phenylalanine at codon 854 of the NEDD4L protein (p.Cys854Phe). The cysteine residue is moderately conserved and there is a large physicochemical difference between cysteine and phenylalanine. This variant is not present in population databases (ExAC no frequency). This variant has not been reported in the literature in individuals with NEDD4L-related conditions. Algorithms developed to predict the effect of missense changes on protein structure and function (SIFT, PolyPhen-2, Align-GVGD) all suggest that this variant is likely to be tolerated, but these predictions have not been confirmed by published functional studies and their clinical significance is uncertain. In summary, the available evidence is currently insufficient to determine the role of this variant in disease. Therefore, it has been classified as a Variant of Uncertain Significance.